The following is an entry in ClinVar:

ClinVar aggregate classification (germline): Uncertain significance (1 of 4 stars; one submission).

Conditions:
Hyperimmunoglobulin D with periodic fever (HIDS). Also called: HYPERIMMUNOGLOBULINEMIA D AND PERIODIC FEVER SYNDROME; Hyperimmunoglobulinemia D; Hyperimmunoglobulinemia D with periodic fever. Identifiers: Orphanet 343, MedGen C0398691, MONDO:0009849, OMIM 260920.

Submission:

Laboratorio de Genetica e Diagnostico Molecular, Hospital Israelita Albert Einstein
Classification: Uncertain significance for Hyperimmunoglobulin D with periodic fever. Last evaluated: 2022-11-19. Review status: criteria provided, single submitter. Criteria: ACMG Guidelines, 2015. Collection method: clinical testing. Allele origin: germline. Affected: yes.
Comment: ACMG classification criteria: PM2 moderated, BP4 supporting

NM_000431.4(MVK):c.533C>T (p.Thr178Ile)

Gene: MVK (mevalonate kinase; plus strand). Cytogenetic location: 12q24.11.
Variant type: single nucleotide variant.
Coding change: c.533C>T on transcript NM_000431.4 (MANE Select); coding-DNA position 533, C replaced by T.
Protein change: p.Thr178Ile; replaces threonine 178 with isoleucine.
Molecular consequence: missense variant.
Genome position (GRCh38, 1-based): chr12:109,586,027, C>T. VCF-style: chr12-109586027-C-T. GRCh37 (hg19) VCF-style: chr12-110023832-C-T.
Other names: c.533C>T, p.Thr178Ile (NM_001114185.3, NM_001414511.1, NM_001414512.1 and 1 more transcripts); c.377C>T, p.Thr126Ile (NM_001301182.2, NM_001414514.1); c.-50C>T (NM_001414515.1); short protein forms T126I, T178I.
Identifiers: ClinVar variation 2431699 (VCV002431699.2), dbSNP rs2548630439, ClinGen allele CA386647434.